The following is an entry in ClinVar:

NM_001369.3(DNAH5):c.698C>G (p.Thr233Ser)

Gene: DNAH5 (dynein axonemal heavy chain 5; minus strand). Cytogenetic location: 5p15.2.
Variant type: single nucleotide variant.
Coding change: c.698C>G on transcript NM_001369.3 (MANE Select); coding-DNA position 698, C replaced by G.
Protein change: p.Thr233Ser; replaces threonine 233 with serine.
Molecular consequence: missense variant.
Genome position (GRCh38, 1-based): chr5:13,920,580, G>C on the plus strand (C>G on the coding strand, the complement: DNAH5 is on the minus strand). VCF-style: chr5-13920580-G-C. GRCh37 (hg19) VCF-style: chr5-13920689-G-C.
Other names: short protein forms T233S.
Identifiers: ClinVar variation 2106445 (VCV002106445.4), dbSNP rs1416012949, ClinGen allele CA359220778.

ClinVar aggregate classification (germline): Uncertain significance (1 of 4 stars; one submission).

Conditions:
Primary ciliary dyskinesia. Also called: Ciliary dyskinesia. Identifiers: Orphanet 244, MedGen C0008780, MONDO:0016575, HP:0012265.

Submission:

Labcorp Genetics (formerly Invitae), Labcorp
Classification: Uncertain significance for Primary ciliary dyskinesia. Last evaluated: 2022-07-01. Review status: criteria provided, single submitter. Criteria: Invitae Variant Classification Sherloc (09022015). Collection method: clinical testing. Allele origin: germline.
Comment: This sequence change replaces threonine, which is neutral and polar, with serine, which is neutral and polar, at codon 233 of the DNAH5 protein (p.Thr233Ser). In summary, the available evidence is currently insufficient to determine the role of this variant in disease. Therefore, it has been classified as a Variant of Uncertain Significance. Advanced modeling of protein sequence and biophysical properties (such as structural, functional, and spatial information, amino acid conservation, physicochemical variation, residue mobility, and thermodynamic stability) performed at Invitae indicates that this missense variant is not expected to disrupt DNAH5 protein function. This variant has not been reported in the literature in individuals affected with DNAH5-related conditions. This variant is not present in population databases (gnomAD no frequency).